The following is an entry in ClinVar:

NM_006015.6(ARID1A):c.481G>A (p.Val161Ile)

Gene: ARID1A (AT-rich interaction domain 1A; plus strand). Cytogenetic location: 1p36.11.
Variant type: single nucleotide variant.
Coding change: c.481G>A on transcript NM_006015.6 (MANE Select); coding-DNA position 481, G replaced by A.
Protein change: p.Val161Ile; replaces valine 161 with isoleucine.
Molecular consequence: missense variant.
Genome position (GRCh38, 1-based): chr1:26,696,884, G>A. VCF-style: chr1-26696884-G-A. GRCh37 (hg19) VCF-style: chr1-27023375-G-A.
Other names: c.481G>A, p.Val161Ile (NM_139135.4); short protein forms V161I.
Identifiers: ClinVar variation 1930905 (VCV001930905.15), dbSNP rs761221782, ClinGen allele CA706599.

ClinVar aggregate classification (germline): Benign/Likely benign. Review status: criteria provided, multiple submitters, no conflicts (2 of 4 stars). 2 submissions from 2 submitters: Benign (1); Likely benign (1). Last evaluated 2025-06-01.

Allele frequency attached by ClinVar (database versions not stated): gnomAD 0.00002; 1000 Genomes Project 30x 0.00031.
gnomAD v4.1: 5 of 1,360,544 alleles (0.00037%); highest among the groups gnomAD compares: Admixed American, 0.016%; no homozygotes.

Submissions (2):

CeGaT Center for Human Genetics Tuebingen
Classification: Likely benign. Last evaluated: 2025-06-01. Review status: criteria provided, single submitter. Criteria: CeGaT Center For Human Genetics Tuebingen Variant Classification Criteria Version 2. Collection method: clinical testing. Allele origin: germline. Affected: yes. Observed: 1 variant allele.
Comment: ARID1A: BS1

Labcorp Genetics (formerly Invitae), Labcorp
Classification: Benign. Last evaluated: 2025-03-30. Review status: criteria provided, single submitter. Criteria: Invitae Variant Classification Sherloc (09022015). Collection method: clinical testing. Allele origin: germline.